The following is an entry in ClinVar:

ClinVar aggregate classification (germline): Uncertain significance (1 of 4 stars; one submission).

Conditions:
Progressive sclerosing poliodystrophy (MTDPS4A). Also called: ALPERS PROGRESSIVE INFANTILE POLIODYSTROPHY; ALPERS DIFFUSE DEGENERATION OF CEREBRAL GRAY MATTER WITH HEPATIC CIRRHOSIS; Alpers-Huttenlocher Syndrome; NEURONAL DEGENERATION OF CHILDHOOD WITH LIVER DISEASE, PROGRESSIVE; Alpers Syndrome; Mitochondrial DNA Depletion Syndrome 4A. Identifiers: Orphanet 726, MedGen C0205710, MONDO:0008758, OMIM 203700.

Submission:

Labcorp Genetics (formerly Invitae), Labcorp
Classification: Uncertain significance for Progressive sclerosing poliodystrophy. Last evaluated: 2020-02-02. Review status: criteria provided, single submitter. Criteria: Invitae Variant Classification Sherloc (09022015). Collection method: clinical testing. Allele origin: germline.
Comment: In summary, the available evidence is currently insufficient to determine the role of this variant in disease. Therefore, it has been classified as a Variant of Uncertain Significance. Algorithms developed to predict the effect of missense changes on protein structure and function (SIFT, PolyPhen-2, Align-GVGD) all suggest that this variant is likely to be tolerated, but these predictions have not been confirmed by published functional studies and their clinical significance is uncertain. This variant has not been reported in the literature in individuals with POLG-related conditions. This variant is not present in population databases (ExAC no frequency). This sequence change replaces glycine with arginine at codon 92 of the POLG protein (p.Gly92Arg). The glycine residue is moderately conserved and there is a moderate physicochemical difference between glycine and arginine.

NM_002693.3(POLG):c.274G>C (p.Gly92Arg)

Genes: POLG (DNA polymerase gamma, catalytic subunit; minus strand), POLGARF (POLG alternative reading frame; minus strand). Cytogenetic location: 15q26.1.
Variant type: single nucleotide variant.
Coding change: c.274G>C on transcript NM_002693.3 (MANE Select); coding-DNA position 274, G replaced by C.
Protein change: p.Gly92Arg; replaces glycine 92 with arginine.
Molecular consequence: missense variant.
Genome position (GRCh38, 1-based): chr15:89,333,481, C>G on the plus strand (G>C on the coding strand, the complement: POLG is on the minus strand). VCF-style: chr15-89333481-C-G. GRCh37 (hg19) VCF-style: chr15-89876712-C-G.
Other names: c.274G>C, p.Gly92Arg (NM_001126131.2); short protein forms G92R.
Identifiers: ClinVar variation 1009517 (VCV001009517.11), dbSNP rs747837325, ClinGen allele CA393773128.